The following is an entry in ClinVar:

ClinVar aggregate classification (germline): Conflicting classifications of pathogenicity. Review status: criteria provided, conflicting classifications (1 of 4 stars). 2 submissions from 2 submitters: Uncertain significance (1); Likely benign (1). Last evaluated 2026-06-23.

Conditions:
Inborn genetic diseases. Identifiers: MedGen C0950123, MeSH D030342.
Developmental and epileptic encephalopathy, 30 (DEE30). Also called: Epileptic encephalopathy, early infantile, 30. Identifiers: MedGen C4225360, MONDO:0014595, OMIM 616341.

Submissions (2):

Ambry Genetics
Classification: Likely benign for Inborn genetic diseases. Last evaluated: 2026-06-23. Review status: criteria provided, single submitter. Criteria: Ambry Variant Classification Scheme 2023. Collection method: clinical testing. Allele origin: germline.

Labcorp Genetics (formerly Invitae), Labcorp
Classification: Uncertain significance for Developmental and epileptic encephalopathy, 30. Last evaluated: 2024-01-08. Review status: criteria provided, single submitter. Criteria: Invitae Variant Classification Sherloc (09022015). Collection method: clinical testing. Allele origin: germline.
Comment: This sequence change replaces glycine, which is neutral and non-polar, with glutamic acid, which is acidic and polar, at codon 556 of the SIK1 protein (p.Gly556Glu). This variant is not present in population databases (gnomAD no frequency). This variant has not been reported in the literature in individuals affected with SIK1-related conditions. ClinVar contains an entry for this variant (Variation ID: 1026818). Advanced modeling of protein sequence and biophysical properties (such as structural, functional, and spatial information, amino acid conservation, physicochemical variation, residue mobility, and thermodynamic stability) performed at Invitae indicates that this missense variant is not expected to disrupt SIK1 protein function with a negative predictive value of 95%. In summary, the available evidence is currently insufficient to determine the role of this variant in disease. Therefore, it has been classified as a Variant of Uncertain Significance.

NM_173354.5(SIK1):c.1667G>A (p.Gly556Glu)

Gene: SIK1 (salt inducible kinase 1; minus strand). Cytogenetic location: 21q22.3.
Variant type: single nucleotide variant.
Coding change: c.1667G>A on transcript NM_173354.5 (MANE Select); coding-DNA position 1667, G replaced by A.
Protein change: p.Gly556Glu; replaces glycine 556 with glutamic acid.
Molecular consequence: missense variant.
Genome position (GRCh38, 1-based): chr21:43,418,337, C>T on the plus strand (G>A on the coding strand, the complement: SIK1 is on the minus strand). VCF-style: chr21-43418337-C-T. GRCh37 (hg19) VCF-style: chr21-44838217-C-T.
Other names: c.1667G>A (NM_173354.3); short protein forms G556E.
Identifiers: ClinVar variation 1026818 (VCV001026818.10), dbSNP rs2081041823, ClinGen allele CA410607550.
Genomic context (GRCh38, chr21:43,418,337, plus strand): 5'-TCCGACGCCCGCCGTCCCTCCTGGAAGCTGACAGGGAGCAGAACAGCTCCTCCCAAGCCC[C>T]CCTGAGCCTGCAGCACTGGGGTGGCGGACTGCGACCCCAGGAAGGGCGAGGCCAGCCTGA-3'
Protein context (NP_775490.2, residues 546-566): QSATPVLQAQ[Gly556Glu]GLGGAVLLPV